The following is an entry in ClinVar:

ClinVar aggregate classification (germline): Uncertain significance. Review status: criteria provided, multiple submitters, no conflicts (2 of 4 stars). 2 submissions from 2 submitters: Uncertain significance (2). Last evaluated 2025-08-06.

Conditions:
Loeys-Dietz syndrome 6. Identifiers: MedGen C5562041, MONDO:0030500, OMIM 619656.

Allele frequency attached by ClinVar (database versions not stated): gnomAD exomes below 0.00001.
gnomAD v4.1: 3 of 1,614,094 alleles (0.00019%); highest among the groups gnomAD compares: Admixed American, 0.0017%; no homozygotes.

Submissions (2):

Labcorp Genetics (formerly Invitae), Labcorp
Classification: Uncertain significance. Last evaluated: 2025-08-06. Review status: criteria provided, single submitter. Criteria: Invitae Variant Classification Sherloc (09022015). Collection method: clinical testing. Allele origin: germline.
Comment: This sequence change replaces arginine, which is basic and polar, with cysteine, which is neutral and slightly polar, at codon 462 of the SMAD2 protein (p.Arg462Cys). This variant is not present in population databases (gnomAD no frequency). This variant has not been reported in the literature in individuals affected with SMAD2-related conditions. ClinVar contains an entry for this variant (Variation ID: 1521943). Invitae Evidence Modeling of protein sequence and biophysical properties (such as structural, functional, and spatial information, amino acid conservation, physicochemical variation, residue mobility, and thermodynamic stability) indicates that this missense variant is not expected to disrupt SMAD2 protein function with a negative predictive value of 95%. In summary, the available evidence is currently insufficient to determine the role of this variant in disease. Therefore, it has been classified as a Variant of Uncertain Significance.

Victorian Clinical Genetics Services, Murdoch Childrens Research Institute
Classification: Uncertain significance for Loeys-Dietz syndrome 6. Last evaluated: 2022-06-24. Review status: criteria provided, single submitter. Criteria: ACMG Guidelines, 2015. Collection method: clinical testing. Allele origin: germline. Inheritance: Autosomal dominant inheritance. Affected: yes.
Comment: Based on the classification scheme VCGS_Germline_v1.3.4, this variant is classified as VUS-3A. Following criteria are met: 0102 - Loss of function is a known mechanism of disease in this gene and is associated with SMAD2-related connective tissue disorder (PMID: 29967133). (I) 0107 - This gene is associated with autosomal dominant disease. (I) 0112 - The condition associated with this gene has incomplete penetrance. Rare examples of non-penetrance in Loeys-Dietz syndrome (LDS) have been documented, including somatic mosaicism (GeneReviews). (I) 0115 - Variants in this gene are known to have variable expressivity. Intrafamilial variability has been reported in LDS (GeneReviews). (I) 0200 - Variant is predicted to result in a missense amino acid change from arginine to cysteine. (I) 0251 - This variant is heterozygous. (I) 0301 - Variant is absent from gnomAD (both v2 and v3). (SP) 0309 - An alternative amino acid change at the same position has been observed in gnomAD (v3) (1 heterozygote, 0 homozygotes). (I) 0501 - Missense variant consistently predicted to be damaging by multiple in silico tools or highly conserved with a major amino acid change. (SP) 0601 - Variant is located in the well-established functional MH2 domain (PMID: 29967133). Mutagenesis studies have shown that Arg-462 is important for specific recognition and phosphorylation of the C-terminal serine residues of Smad2 by the type I TGFbeta receptor (PMID: 15210694). (SP) 0710 - Another missense variant comparable to the one identified in this case has inconclusive previous evidence for pathogenicity. The p.(Arg462His) variant has been reported as a VUS in ClinVar. (I) 0807 - This variant has no previous evidence of pathogenicity. (I) 0905 - No published segregation evidence has been identified for this variant. (I) 1007 - No published functional evidence has been identified for this variant. (I) Legend: (SP) - Supporting pathogenic, (I) - Information, (SB) - Supporting benign

Literature cited by the submitters: PubMed 15210694 (cited by Victorian Clinical Genetics Services, Murdoch Childrens Research Institute); PubMed 29967133 (cited by Victorian Clinical Genetics Services, Murdoch Childrens Research Institute).

NM_005901.6(SMAD2):c.1384C>T (p.Arg462Cys)

Gene: SMAD2 (SMAD family member 2; minus strand). Cytogenetic location: 18q21.1.
Variant type: single nucleotide variant.
Coding change: c.1384C>T on transcript NM_005901.6 (MANE Select); coding-DNA position 1384, C replaced by T.
Protein change: p.Arg462Cys; replaces arginine 462 with cysteine.
Molecular consequence: missense variant.
Genome position (GRCh38, 1-based): chr18:47,841,847, G>A on the plus strand (C>T on the coding strand, the complement: SMAD2 is on the minus strand). VCF-style: chr18-47841847-G-A. GRCh37 (hg19) VCF-style: chr18-45368218-G-A.
Other names: c.1384C>T, p.Arg462Cys (NM_001003652.4); c.1294C>T, p.Arg432Cys (NM_001135937.3); short protein forms R462C, R432C.
Identifiers: ClinVar variation 1521943 (VCV001521943.9), dbSNP rs2144276135, ClinGen allele CA402502520.